The following is an entry in ClinVar:

ClinVar aggregate classification (germline): Uncertain significance. Review status: criteria provided, multiple submitters, no conflicts (2 of 4 stars). 2 submissions from 2 submitters: Uncertain significance (2). Last evaluated 2024-04-27.

Conditions:
Neuropathy, hereditary sensory and autonomic, type 2A (HSAN2A). Also called: HSAN IIA; WNK1-Related HSAN2 (HSAN2A); ACROOSTEOLYSIS, GIACCAI TYPE; ACROOSTEOLYSIS, NEUROGENIC; MORVAN DISEASE; NEUROPATHY, CONGENITAL SENSORY. Identifiers: Orphanet 970, MedGen C2752089, MONDO:0024309, OMIM 201300.
Pseudohypoaldosteronism type 2C (PHA2C). Also called: Pseudohypoaldosteronism Type IIC. Identifiers: Orphanet 757, Orphanet 88940, MedGen C1840391, MONDO:0013778, OMIM 614492.

Allele frequency attached by ClinVar (database versions not stated): TOPMed below 0.00001.
gnomAD v4.1: 1 of 1,613,934 alleles (0.000062%); highest among the groups gnomAD compares: Non-Finnish European, 0.000085%; no homozygotes.

Submissions (2):

Fulgent Genetics
Classification: Uncertain significance for Neuropathy, hereditary sensory and autonomic, type 2A; Pseudohypoaldosteronism type 2C. Last evaluated: 2024-04-27. Review status: criteria provided, single submitter. Criteria: ACMG Guidelines, 2015. Collection method: clinical testing. Allele origin: germline.

Labcorp Genetics (formerly Invitae), Labcorp
Classification: Uncertain significance for Neuropathy, hereditary sensory and autonomic, type 2A; Pseudohypoaldosteronism type 2C. Last evaluated: 2022-03-20. Review status: criteria provided, single submitter. Criteria: Invitae Variant Classification Sherloc (09022015). Collection method: clinical testing. Allele origin: germline.
Comment: In summary, the available evidence is currently insufficient to determine the role of this variant in disease. Therefore, it has been classified as a Variant of Uncertain Significance. Advanced modeling of protein sequence and biophysical properties (such as structural, functional, and spatial information, amino acid conservation, physicochemical variation, residue mobility, and thermodynamic stability) performed at Invitae indicates that this missense variant is not expected to disrupt WNK1 protein function. ClinVar contains an entry for this variant (Variation ID: 471207). This variant has not been reported in the literature in individuals affected with WNK1-related conditions. This variant is not present in population databases (gnomAD no frequency). This sequence change replaces histidine, which is basic and polar, with leucine, which is neutral and non-polar, at codon 2420 of the WNK1 protein (p.His2420Leu).

NM_018979.4(WNK1):c.6503A>T (p.His2168Leu)

Gene: WNK1 (WNK lysine deficient protein kinase 1; plus strand). Cytogenetic location: 12p13.33.
Variant type: single nucleotide variant.
Coding change: c.6503A>T on transcript NM_018979.4 (MANE Select); coding-DNA position 6503, A replaced by T.
Protein change: p.His2168Leu; replaces histidine 2168 with leucine.
Molecular consequence: missense variant.
Genome position (GRCh38, 1-based): chr12:900,530, A>T. VCF-style: chr12-900530-A-T. GRCh37 (hg19) VCF-style: chr12-1009696-A-T.
Other names: c.7283A>T, p.His2428Leu (NM_001184985.2); c.5759A>T, p.His1920Leu (NM_014823.3); c.7259A>T, p.His2420Leu (NM_213655.5); short protein forms H2420L, H2168L, H1920L, H2428L.
Identifiers: ClinVar variation 471207 (VCV000471207.9), dbSNP rs1555160733, ClinGen allele CA383338083.